The following is an entry in ClinVar:

ClinVar aggregate classification (germline): Uncertain significance. Review status: criteria provided, single submitter (1 of 4 stars). 3 submissions from 3 submitters: Uncertain significance (1). 2 of the submissions do not count toward it. Last evaluated 2024-09-23.

Conditions:
Dilated cardiomyopathy 1II (CMD1II). Identifiers: Orphanet 154, MedGen C3554649, MONDO:0014073, OMIM 615184.

gnomAD v4.1: 2 of 1,612,694 alleles (0.00012%); highest among the groups gnomAD compares: Non-Finnish European, 0.00017%; no homozygotes.

Submissions (3):

Labcorp Genetics (formerly Invitae), Labcorp
Classification: Uncertain significance for Dilated cardiomyopathy 1II. Last evaluated: 2024-09-23. Review status: criteria provided, single submitter. Criteria: Invitae Variant Classification Sherloc (09022015). Collection method: clinical testing. Allele origin: germline.
Comment: This sequence change replaces arginine, which is basic and polar, with proline, which is neutral and non-polar, at codon 56 of the CRYAB protein (p.Arg56Pro). This variant is not present in population databases (gnomAD no frequency). This variant has not been reported in the literature in individuals affected with CRYAB-related conditions. ClinVar contains an entry for this variant (Variation ID: 1285016). An algorithm developed to predict the effect of missense changes on protein structure and function (PolyPhen-2) suggests that this variant is likely to be disruptive. This variant disrupts the p.Arg56 amino acid residue in CRYAB. Other variant(s) that disrupt this residue have been determined to be pathogenic (PMID: 19461931, 20141356, 32528171). This suggests that this residue is clinically significant, and that variants that disrupt this residue are likely to be disease-causing. In summary, the available evidence is currently insufficient to determine the role of this variant in disease. Therefore, it has been classified as a Variant of Uncertain Significance.

Genome Diagnostics Laboratory, University Medical Center Utrecht
Classification: Uncertain significance. Review status: no assertion criteria provided. Collection method: clinical testing. Allele origin: germline. Affected: yes. Study: VKGL Data-share Consensus. Not counted in ClinVar's aggregate classification.

Joint Genome Diagnostic Labs from Nijmegen and Maastricht, Radboudumc and MUMC+
Classification: Uncertain significance. Review status: no assertion criteria provided. Collection method: clinical testing. Allele origin: germline. Affected: yes. Study: VKGL Data-share Consensus. Not counted in ClinVar's aggregate classification.

Literature cited by the submitters: PubMed 19461931 (cited by Labcorp Genetics (formerly Invitae), Labcorp); PubMed 20141356 (cited by Labcorp Genetics (formerly Invitae), Labcorp); PubMed 32528171 (cited by Labcorp Genetics (formerly Invitae), Labcorp).

NM_001289808.2(CRYAB):c.167G>C (p.Arg56Pro)

Gene: CRYAB (crystallin alpha B; minus strand). Cytogenetic location: 11q23.1.
Variant type: single nucleotide variant.
Coding change: c.167G>C on transcript NM_001289808.2 (MANE Select); coding-DNA position 167, G replaced by C.
Protein change: p.Arg56Pro; replaces arginine 56 with proline.
Molecular consequence: missense variant.
Genome position (GRCh38, 1-based): chr11:111,911,558, C>G on the plus strand (G>C on the coding strand, the complement: CRYAB is on the minus strand). VCF-style: chr11-111911558-C-G. GRCh37 (hg19) VCF-style: chr11-111782282-C-G.
Other names: c.167G>C, p.Arg56Pro (NM_001289807.1, NM_001368245.1, NM_001885.3); short protein forms R56P.
Identifiers: ClinVar variation 1285016 (VCV001285016.5), dbSNP rs781986102, ClinGen allele CA382600261.